The following is an entry in ClinVar:

ClinVar aggregate classification (germline): Benign (3 of 4 stars; one submission).

Conditions:
Breast-ovarian cancer, familial, susceptibility to, 2 (BROVCA2). Also called: BRCA2 Hereditary Breast and Ovarian Cancer. Identifiers: Orphanet 145, MedGen C2675520, MONDO:0012933, OMIM 612555. Disease mechanism: loss of function.

Allele frequency attached by ClinVar (database versions not stated): 1000 Genomes Project 0.00679; TOPMed 0.00717; 1000 Genomes Project 30x 0.00828.
gnomAD v4.1: 965 of 152,288 alleles (0.63%); highest among the groups gnomAD compares: African/African-American, 2.2%; 7 homozygotes.

Submission:

Evidence-based Network for the Interpretation of Germline Mutant Alleles (ENIGMA)
Classification: Benign for Breast-ovarian cancer, familial 2. Last evaluated: 2015-01-12. Review status: reviewed by expert panel. Criteria: ENIGMA BRCA1/2 Classification Criteria (2015). Collection method: curation. Allele origin: germline.
Comment: Class 1 not pathogenic based on frequency >1% in an outbred sampleset. Frequency 0.02439 (African), derived from 1000 genomes (2012-04-30).

NM_000059.4(BRCA2):c.9257-815T>C

Gene: BRCA2 (BRCA2 DNA repair associated; plus strand). Cytogenetic location: 13q13.1.
Variant type: single nucleotide variant.
Coding change: c.9257-815T>C on transcript NM_000059.4 (MANE Select); 815 bases into the intron before coding-DNA position 9257, T replaced by C.
Molecular consequence: intron variant.
Genome position (GRCh38, 1-based): chr13:32,393,874, T>C. VCF-style: chr13-32393874-T-C. GRCh37 (hg19) VCF-style: chr13-32968011-T-C.
Other names: IVS 24-815T>C.
Identifiers: ClinVar variation 209904 (VCV000209904.1), dbSNP rs78065656, ClinGen allele CA276872.